The following is an entry in ClinVar:

ClinVar aggregate classification (germline): Uncertain significance. Review status: criteria provided, multiple submitters, no conflicts (2 of 4 stars). 3 submissions from 3 submitters: Uncertain significance (3). Last evaluated 2024-11-11.

Conditions:
Potassium-aggravated myotonia. Also called: Myotonia congenita, atypical, acetazolamide-responsive; MYOTONIA CONGENITA, ACETAZOLAMIDE-RESPONSIVE; MYOTONIA CONGENITA, ATYPICAL; SODIUM CHANNEL MUSCLE DISEASE. Identifiers: Orphanet 612, Orphanet 99734, Orphanet 99735, Orphanet 99736, MedGen C2931826, MONDO:0018959, OMIM 608390.
Congenital myasthenic syndrome 16. Identifiers: Orphanet 590, MedGen C3280112, MONDO:0013620, OMIM 614198.
Paramyotonia congenita of Von Eulenburg. Also called: Paramyotonia Congenita; PARALYSIS PERIODICA PARAMYOTONICA; Eulenburg disease; Myotonia congenita intermittens; Von Eulenburg paramyotonia congenita. Identifiers: Orphanet 684, MedGen C0221055, MONDO:0008195, OMIM 168300. Disease mechanism: loss of function.
Hypokalemic periodic paralysis, type 2 (HOKPP2). Identifiers: Orphanet 681, MedGen C2750061, MONDO:0013234, OMIM 613345.
Hypokalemic periodic paralysis, type 1. Also called: Hypokalemic Periodic Paralysis Type 1 (AD); HypoPP. Identifiers: Orphanet 681, MedGen C3714580, MONDO:0042979, OMIM 170400.
Hyperkalemic periodic paralysis. Also called: Familial hyperkalemic periodic paralysis; Gamstorp disease. Identifiers: Orphanet 682, MedGen C0238357, MONDO:0008224, OMIM 170500, HP:0007215.
Inborn genetic diseases. Identifiers: MedGen C0950123, MeSH D030342.

Allele frequency attached by ClinVar (database versions not stated): ExAC 0.00001; TOPMed 0.00001.
gnomAD v4.1: 5 of 1,613,982 alleles (0.00031%); highest among the groups gnomAD compares: Admixed American, 0.005%; no homozygotes.

Submissions (3):

Labcorp Genetics (formerly Invitae), Labcorp
Classification: Uncertain significance for Hyperkalemic periodic paralysis. Last evaluated: 2024-11-11. Review status: criteria provided, single submitter. Criteria: Invitae Variant Classification Sherloc (09022015). Collection method: clinical testing. Allele origin: germline.
Comment: This sequence change replaces asparagine, which is neutral and polar, with serine, which is neutral and polar, at codon 291 of the SCN4A protein (p.Asn291Ser). This variant is present in population databases (rs781129876, gnomAD 0.003%). This variant has not been reported in the literature in individuals affected with SCN4A-related conditions. ClinVar contains an entry for this variant (Variation ID: 964590). Invitae Evidence Modeling of protein sequence and biophysical properties (such as structural, functional, and spatial information, amino acid conservation, physicochemical variation, residue mobility, and thermodynamic stability) indicates that this missense variant is not expected to disrupt SCN4A protein function with a negative predictive value of 95%. In summary, the available evidence is currently insufficient to determine the role of this variant in disease. Therefore, it has been classified as a Variant of Uncertain Significance.

Ambry Genetics
Classification: Uncertain significance for Inborn genetic diseases. Last evaluated: 2024-11-09. Review status: criteria provided, single submitter. Criteria: Ambry Variant Classification Scheme 2023. Collection method: clinical testing. Allele origin: germline.

Fulgent Genetics
Classification: Uncertain significance for Paramyotonia congenita of Von Eulenburg; Hypokalemic periodic paralysis, type 1; Hyperkalemic periodic paralysis; Potassium-aggravated myotonia; Hypokalemic periodic paralysis, type 2; Congenital myasthenic syndrome 16. Last evaluated: 2021-12-22. Review status: criteria provided, single submitter. Criteria: ACMG Guidelines, 2015. Collection method: clinical testing. Allele origin: unknown.

NM_000334.4(SCN4A):c.872A>G (p.Asn291Ser)

Gene: SCN4A (sodium voltage-gated channel alpha subunit 4; minus strand). Cytogenetic location: 17q23.3.
Variant type: single nucleotide variant.
Coding change: c.872A>G on transcript NM_000334.4 (MANE Select); coding-DNA position 872, A replaced by G.
Protein change: p.Asn291Ser; replaces asparagine 291 with serine.
Molecular consequence: missense variant.
Genome position (GRCh38, 1-based): chr17:63,968,187, T>C on the plus strand (A>G on the coding strand, the complement: SCN4A is on the minus strand). VCF-style: chr17-63968187-T-C. GRCh37 (hg19) VCF-style: chr17-62045547-T-C.
Other names: short protein forms N291S.
Identifiers: ClinVar variation 964590 (VCV000964590.12), dbSNP rs781129876, ClinGen allele CA8710015.
Genomic context (GRCh38, chr17:63,968,187, plus strand): 5'-ATCTCATTGCCATACCATGTGTCATTGCCGTACCACGTGTCATTGCTGTACCACGTGGTG[T>C]TGGTGTCGTTGAACGGCGGGGGCCAGCGCACACACTTCTGCCTCAGGTTTCCCATGAAGA-3'
Protein context (NP_000325.4, residues 281-301): VRWPPPFNDT[Asn291Ser]TTWYSNDTWY